The following is an entry in ClinVar:

NM_001011658.4(TRAPPC2):c.137_138del (p.Leu46fs)

Genes: OFD1 (OFD1 centriole and centriolar satellite protein; plus strand), TRAPPC2 (trafficking protein particle complex subunit 2; minus strand). Cytogenetic location: Xp22.2.
Variant type: Microsatellite.
Coding change: c.137_138del on transcript NM_001011658.4 (MANE Select); coding-DNA positions 137 to 138, 2 bases deleted (TC; older notation c.137_138delTC).
Protein change: p.Leu46fs; shifts the reading frame from leucine 46.
Molecular consequence: frameshift variant.
Genome position (GRCh38, 1-based): chrX:13,716,634-13,716,635, GA deleted on the plus strand (TC on the coding strand, the reverse complement: TRAPPC2 is on the minus strand); deleting any 2 consecutive bases within chrX:13,716,634-13,716,638 gives the same sequence; the c. name uses the placement nearest the transcript's 3' end. VCF-style (leftmost placement, unchanged base first): chrX-13716633-CGA-C. GRCh37 (hg19) VCF-style: chrX-13734752-CGA-C.
Other names: p.Leu46ArgfsTer5; c.239_240del, p.Leu80fs (NM_001128835.3); c.137_138del, p.Leu46fs (NM_014563.6); short protein forms L46fs, L80fs.
Identifiers: ClinVar variation 1802535 (VCV001802535.3), dbSNP rs2518619830, ClinGen allele CA2580615380.

ClinVar aggregate classification (germline): Pathogenic (1 of 4 stars; one submission).

Conditions:
Spondyloepiphyseal dysplasia tarda, X-linked. Also called: SED TARDA, X-LINKED. Identifiers: MedGen C3541456, MONDO:0010737, OMIM 313400.

Submission:

Instituto de Genética, Servicios Medicos Yunis Turbay Cia. SAS
Classification: Pathogenic for Spondyloepiphyseal dysplasia tarda, X-linked. Last evaluated: 2022-11-12. Review status: criteria provided, single submitter. Criteria: ACMG Guidelines, 2015. Collection method: clinical testing. Allele origin: germline. Inheritance: X-linked recessive inheritance. Affected: yes. Observed: 3 variant alleles. Clinical features observed: SPONDYLOEPIPHYSEAL DYSPLASIA TARDA, X-LINKED; SEDT.

Literature cited by the submitters: PubMed 7192195.